The following is an entry in ClinVar:

ClinVar aggregate classification (germline): Conflicting classifications of pathogenicity. Review status: criteria provided, conflicting classifications (1 of 4 stars). 2 submissions from 2 submitters: Likely pathogenic (1); Uncertain significance (1). Last evaluated 2025-12-21.

Conditions:
RMRP-related disorder. Also called: RMRP-related condition.
Anauxetic dysplasia. Identifiers: Orphanet 93347, MedGen C1846796, MONDO:0011773.

Allele frequency attached by ClinVar (database versions not stated): gnomAD 0.00001; TOPMed 0.00002; ExAC 0.00010.
gnomAD v4.1: 12 of 697,066 alleles (0.0017%); highest among the groups gnomAD compares: South Asian, 0.0059%; no homozygotes.

Submissions (2):

Labcorp Genetics (formerly Invitae), Labcorp
Classification: Uncertain significance for Anauxetic dysplasia. Last evaluated: 2025-12-21. Review status: criteria provided, single submitter. Criteria: Invitae Variant Classification Sherloc (09022015). Collection method: clinical testing. Allele origin: germline.
Comment: This variant occurs in the RMRP gene, which encodes an RNA molecule that does not result in a protein product. This variant is present in population databases (rs771464779, gnomAD 0.01%). This variant has been observed in individual(s) with cartilage-hair hypoplasia-anauxetic dysplasia spectrum disorders (PMID: 12107819, 25616543). This variant is also known as g.236A>G. ClinVar contains an entry for this variant (Variation ID: 2136766). Experimental studies and prediction algorithms are not available or were not evaluated, and the functional significance of this variant is currently unknown. In summary, the available evidence is currently insufficient to determine the role of this variant in disease. Therefore, it has been classified as a Variant of Uncertain Significance.

PreventionGenetics, part of Exact Sciences
Classification: Likely pathogenic for RMRP-related condition. Last evaluated: 2024-12-23. Review status: criteria provided, single submitter. Criteria: ACMG Guidelines, 2015. Collection method: clinical testing. Allele origin: germline.
Comment: The RMRP n.237A>G is a noncoding alteration. This variant is alternately referred to as g.236A>G or 236G in the literature. This variant has been reported along with a second RMRP variant to be causative for cartilage-hair hypoplasia in two patients (Ridanpää et al. 2002. PubMed ID: 12107819; Fenollar-Cortés et al. 2015. PubMed ID: 25616543). This variant is reported in 0.013% of alleles in individuals of South Asian descent in gnomAD. Based on the available evidence, this variant is interpreted as likely pathogenic.

Literature cited by the submitters: PubMed 12107819 (cited by Labcorp Genetics (formerly Invitae), Labcorp); PubMed 25616543 (cited by Labcorp Genetics (formerly Invitae), Labcorp).

NR_003051.4(RMRP):n.238A>G

Gene: RMRP (RNA component of mitochondrial RNA processing endoribonuclease; minus strand). Cytogenetic location: 9p13.3.
Variant type: single nucleotide variant.
Genome position: GRCh38 VCF-style: chr9-35657782-T-C. GRCh37 (hg19) VCF-style: chr9-35657779-T-C.
Identifiers: ClinVar variation 2136766 (VCV002136766.4), dbSNP rs771464779, ClinGen allele CA5045820.